The following is an entry in ClinVar:

NM_001136472.2(LITAF):c.50C>T (p.Pro17Leu)

Gene: LITAF (lipopolysaccharide induced TNF factor; minus strand). Cytogenetic location: 16p13.13.
Variant type: single nucleotide variant.
Coding change: c.50C>T on transcript NM_001136472.2 (MANE Select); coding-DNA position 50, C replaced by T.
Protein change: p.Pro17Leu; replaces proline 17 with leucine.
Molecular consequence: missense variant. On other transcripts: non-coding transcript variant (1).
Genome position (GRCh38, 1-based): chr16:11,556,681, G>A on the plus strand (C>T on the coding strand, the complement: LITAF is on the minus strand). VCF-style: chr16-11556681-G-A. GRCh37 (hg19) VCF-style: chr16-11650537-G-A.
Other names: c.50C>T, p.Pro17Leu (NM_001136473.1, NM_004862.4); short protein forms P17L.
Identifiers: ClinVar variation 1745340 (VCV001745340.7), dbSNP rs372309415, ClinGen allele CA7904194.

ClinVar aggregate classification (germline): Conflicting classifications of pathogenicity. Review status: criteria provided, conflicting classifications (1 of 4 stars). 2 submissions from 2 submitters: Uncertain significance (1); Likely benign (1). Last evaluated 2024-04-13.

Conditions:
Charcot-Marie-Tooth disease type 1C. Also called: CHARCOT-MARIE-TOOTH DISEASE, DEMYELINATING, TYPE 1C; CMT, SLOW NERVE CONDUCTION TYPE C; HMSN IC; Charcot-Marie-Tooth disease, type IC; CHARCOT-MARIE-TOOTH NEUROPATHY, TYPE 1C; NEUROPATHY, HEREDITARY MOTOR AND SENSORY, TYPE IC. Identifiers: Orphanet 101083, MedGen C0270913, MONDO:0010995, OMIM 601098.
Inborn genetic diseases. Identifiers: MedGen C0950123, MeSH D030342.

Allele frequency attached by ClinVar (database versions not stated): gnomAD exomes below 0.00001; ExAC 0.00002; gnomAD 0.00004; TOPMed 0.00004; ESP Exome Variant Server 0.00008.
gnomAD v4.1: 12 of 1,614,056 alleles (0.00074%); highest among the groups gnomAD compares: African/African-American, 0.015%; no homozygotes.

Submissions (2):

Labcorp Genetics (formerly Invitae), Labcorp
Classification: Uncertain significance for Charcot-Marie-Tooth disease type 1C. Last evaluated: 2024-04-13. Review status: criteria provided, single submitter. Criteria: Invitae Variant Classification Sherloc (09022015). Collection method: clinical testing. Allele origin: germline.
Comment: This sequence change replaces proline, which is neutral and non-polar, with leucine, which is neutral and non-polar, at codon 17 of the LITAF protein (p.Pro17Leu). This variant is present in population databases (rs372309415, gnomAD 0.03%). This variant has not been reported in the literature in individuals affected with LITAF-related conditions. ClinVar contains an entry for this variant (Variation ID: 1745340). An algorithm developed to predict the effect of missense changes on protein structure and function (PolyPhen-2) suggests that this variant is likely to be disruptive. In summary, the available evidence is currently insufficient to determine the role of this variant in disease. Therefore, it has been classified as a Variant of Uncertain Significance.

Ambry Genetics
Classification: Likely benign for Inborn genetic diseases. Last evaluated: 2022-04-27. Review status: criteria provided, single submitter. Criteria: Ambry Variant Classification Scheme 2023. Collection method: clinical testing. Allele origin: germline.